The following is an entry in ClinVar:

ClinVar aggregate classification (germline): Likely benign (1 of 4 stars; one submission).

Allele frequency attached by ClinVar (database versions not stated): 1000 Genomes Project 30x 0.00562.

Submission:

CeGaT Center for Human Genetics Tuebingen
Classification: Likely benign. Last evaluated: 2023-03-01. Review status: criteria provided, single submitter. Criteria: CeGaT Center For Human Genetics Tuebingen Variant Classification Criteria Version 2. Collection method: clinical testing. Allele origin: germline. Affected: yes. Observed: 1 variant allele.
Comment: MUC2: BP4, BP7

NM_002457.5(MUC2):c.4239G>A (p.Thr1413=)

Gene: MUC2 (mucin 2, oligomeric mucus/gel-forming; plus strand). Cytogenetic location: 11p15.5.
Variant type: single nucleotide variant.
Coding change: c.4239G>A on transcript NM_002457.5 (MANE Select); coding-DNA position 4239, G replaced by A.
Protein change: p.Thr1413=; no amino-acid change (threonine 1413 retained).
Molecular consequence: synonymous variant.
Genome position (GRCh38, 1-based): chr11:1,094,482, G>A. VCF-style: chr11-1094482-G-A. GRCh37 (hg19) VCF-style: chr11-1092420-G-A.
Identifiers: ClinVar variation 2641127 (VCV002641127.24), dbSNP rs75494928, ClinGen allele CA472378178.